The following is an entry in ClinVar:

NM_014908.4(DOLK):c.-49A>G

Gene: DOLK (dolichol kinase; minus strand). Cytogenetic location: 9q34.11.
Variant type: single nucleotide variant.
Coding change: c.-49A>G on transcript NM_014908.4 (MANE Select); 49 bases upstream of the start codon, A replaced by G.
Molecular consequence: 5 prime UTR variant.
Genome position (GRCh38, 1-based): chr9:128,947,352, T>C on the plus strand (A>G on the coding strand, the complement: DOLK is on the minus strand). VCF-style: chr9-128947352-T-C. GRCh37 (hg19) VCF-style: chr9-131709631-T-C.
Identifiers: ClinVar variation 365199 (VCV000365199.6), dbSNP rs116439010, ClinGen allele CA5271822.

ClinVar aggregate classification (germline): Benign/Likely benign. Review status: criteria provided, multiple submitters, no conflicts (2 of 4 stars). 3 submissions from 3 submitters: Benign (2); Likely benign (1). Last evaluated 2021-10-08.

Conditions:
DK1-congenital disorder of glycosylation. Also called: CONGENITAL DISORDER OF GLYCOSYLATION, TYPE Im; CDG Im; DK1 DEFICIENCY; DOLICHOL KINASE DEFICIENCY; DK1-CDG; DOLK-congenital disorder of glycosylation. Identifiers: Orphanet 91131, MedGen C1835849, MONDO:0012556, OMIM 610768.

Allele frequency attached by ClinVar (database versions not stated): gnomAD exomes 0.00198 and 0.00436; ExAC 0.00495; ESP Exome Variant Server 0.01295; 1000 Genomes Project 0.01677; gnomAD 0.01730 and 0.01852; 1000 Genomes Project 30x 0.01780; TOPMed 0.01917.
gnomAD v4.1: 5,625 of 1,607,400 alleles (0.35%); highest among the groups gnomAD compares: African/African-American, 5.9%; 139 homozygotes.

Submissions (3):

Fulgent Genetics
Classification: Likely benign for DK1-congenital disorder of glycosylation. Last evaluated: 2021-10-08. Review status: criteria provided, single submitter. Criteria: ACMG Guidelines, 2015. Collection method: clinical testing. Allele origin: unknown.

Illumina Laboratory Services, Illumina
Classification: Benign for DK1-congenital disorder of glycosylation. Last evaluated: 2018-01-13. Review status: criteria provided, single submitter. Criteria: ICSL Variant Classification Criteria 13 December 2019. Collection method: clinical testing. Allele origin: germline.
Comment: This variant was observed in the ICSL laboratory as part of a predisposition screen in an ostensibly healthy population. It had not been previously curated by ICSL or reported in the Human Gene Mutation Database (HGMD: prior to June 1st, 2018), and was therefore a candidate for classification through an automated scoring system. Utilizing variant allele frequency, disease prevalence and penetrance estimates, and inheritance mode, an automated score was calculated to assess if this variant is too frequent to cause the disease. Based on the score and internal cut-off values, a variant classified as benign is not then subjected to further curation. The score for this variant resulted in a classification of benign for this disease.

GeneDx
Classification: Benign. Last evaluated: 2016-02-16. Review status: criteria provided, single submitter. Criteria: GeneDx Variant Classification (06012015). Collection method: clinical testing. Allele origin: germline. Affected: yes.
Comment: This variant is considered likely benign or benign based on one or more of the following criteria: it is a conservative change, it occurs at a poorly conserved position in the protein, it is predicted to be benign by multiple in silico algorithms, and/or has population frequency not consistent with disease.